The following is an entry in ClinVar:

NM_001040142.2(SCN2A):c.2143A>G (p.Met715Val)

Gene: SCN2A (sodium voltage-gated channel alpha subunit 2; plus strand). Cytogenetic location: 2q24.3.
Variant type: single nucleotide variant.
Coding change: c.2143A>G on transcript NM_001040142.2 (MANE Select); coding-DNA position 2143, A replaced by G.
Protein change: p.Met715Val; replaces methionine 715 with valine.
Molecular consequence: missense variant.
Genome position (GRCh38, 1-based): chr2:165,326,978, A>G. VCF-style: chr2-165326978-A-G. GRCh37 (hg19) VCF-style: chr2-166183488-A-G.
Other names: c.2143A>G, p.Met715Val (NM_001040143.2, NM_001371246.1, NM_001371247.1 and 1 more transcripts); short protein forms M715V.
Identifiers: ClinVar variation 1056384 (VCV001056384.12), dbSNP rs1490648646, ClinGen allele CA349029717.

ClinVar aggregate classification (germline): Uncertain significance. Review status: criteria provided, multiple submitters, no conflicts (2 of 4 stars). 2 submissions from 2 submitters: Uncertain significance (2). Last evaluated 2025-01-11.

Conditions:
Developmental and epileptic encephalopathy, 11 (DEE11). Also called: Early infantile epileptic encephalopathy 11. Identifiers: Orphanet 1934, MedGen C3150987, MONDO:0013388, OMIM 613721.
Seizures, benign familial infantile, 3 (BFIS3). Also called: Familial neonatal seizures; CONVULSIONS, BENIGN FAMILIAL INFANTILE, 3. Identifiers: Orphanet 140927, Orphanet 306, MedGen C1843140, MONDO:0011904, OMIM 607745.

Allele frequency attached by ClinVar (database versions not stated): gnomAD exomes below 0.00001; TOPMed below 0.00001; gnomAD 0.00001.
gnomAD v4.1: 3 of 1,613,812 alleles (0.00019%); highest among the groups gnomAD compares: African/African-American, 0.0013%; no homozygotes.

Submissions (2):

Labcorp Genetics (formerly Invitae), Labcorp
Classification: Uncertain significance for Seizures, benign familial infantile, 3; Developmental and epileptic encephalopathy, 11. Last evaluated: 2025-01-11. Review status: criteria provided, single submitter. Criteria: Invitae Variant Classification Sherloc (09022015). Collection method: clinical testing. Allele origin: germline.
Comment: This sequence change replaces methionine, which is neutral and non-polar, with valine, which is neutral and non-polar, at codon 715 of the SCN2A protein (p.Met715Val). This variant is not present in population databases (gnomAD no frequency). This variant has not been reported in the literature in individuals affected with SCN2A-related conditions. ClinVar contains an entry for this variant (Variation ID: 1056384). Invitae Evidence Modeling of protein sequence and biophysical properties (such as structural, functional, and spatial information, amino acid conservation, physicochemical variation, residue mobility, and thermodynamic stability) indicates that this missense variant is not expected to disrupt SCN2A protein function with a negative predictive value of 95%. In summary, the available evidence is currently insufficient to determine the role of this variant in disease. Therefore, it has been classified as a Variant of Uncertain Significance.

GeneDx
Classification: Uncertain significance. Last evaluated: 2023-01-11. Review status: criteria provided, single submitter. Criteria: GeneDx Variant Classification Process June 2021. Collection method: clinical testing. Allele origin: germline. Affected: yes.
Comment: Not observed at significant frequency in large population cohorts (gnomAD); Missense variants in this gene are often considered pathogenic (HGMD); In silico analysis supports that this missense variant does not alter protein structure/function; Has not been previously published as pathogenic or benign to our knowledge; This substitution is predicted to be within the cytoplasmic loop between the first and second homologous domains